The following is an entry in ClinVar:

ClinVar aggregate classification (germline): Likely pathogenic (1 of 4 stars; one submission).

gnomAD v4.1: 1 of 1,206,821 alleles (0.000083%); highest among the groups gnomAD compares: Non-Finnish European, 0.00011%; no homozygotes.

Submission:

Labcorp Genetics (formerly Invitae), Labcorp
Classification: Likely pathogenic. Last evaluated: 2024-08-07. Review status: criteria provided, single submitter. Criteria: Invitae Variant Classification Sherloc (09022015). Collection method: clinical testing. Allele origin: germline.
Comment: This sequence change replaces glycine, which is neutral and non-polar, with cysteine, which is neutral and slightly polar, at codon 899 of the COL4A5 protein (p.Gly899Cys). This variant is not present in population databases (gnomAD no frequency). This missense change has been observed in individual(s) with clinical features of COL4A5-related conditions (PMID: 35064937; Invitae). Advanced modeling of protein sequence and biophysical properties (such as structural, functional, and spatial information, amino acid conservation, physicochemical variation, residue mobility, and thermodynamic stability) performed at Invitae indicates that this missense variant is expected to disrupt COL4A5 protein function with a positive predictive value of 95%. This variant disrupts the triple helix domain of COL4A5. Glycine residues within the Gly-Xaa-Yaa repeats of the triple helix domain are required for the structure and stability of fibrillar collagens (PMID: 7695699, 8218237, 19344236). In COL4A5, missense variants at these glycine residues are significantly enriched in individuals with disease (PMID: 23720012, 27627812) compared to the general population (ExAC). In summary, the currently available evidence indicates that the variant is pathogenic, but additional data are needed to prove that conclusively. Therefore, this variant has been classified as Likely Pathogenic.

Literature cited by the submitters: PubMed 35064937; PubMed 7695699; PubMed 8218237; PubMed 19344236; PubMed 23720012; PubMed 27627812.

NM_033380.3(COL4A5):c.2695G>T (p.Gly899Cys)

Gene: COL4A5 (collagen type IV alpha 5 chain; plus strand). Cytogenetic location: Xq22.3.
Variant type: single nucleotide variant.
Coding change: c.2695G>T on transcript NM_033380.3 (MANE Select); coding-DNA position 2695, G replaced by T.
Protein change: p.Gly899Cys; replaces glycine 899 with cysteine.
Molecular consequence: missense variant.
Genome position (GRCh38, 1-based): chrX:108,621,820, G>T. VCF-style: chrX-108621820-G-T. GRCh37 (hg19) VCF-style: chrX-107865050-G-T.
Other names: c.2695G>T, p.Gly899Cys (NM_000495.5); short protein forms G899C.
Identifiers: ClinVar variation 3636326 (VCV003636326.2).